The following is an entry in ClinVar:

NM_022113.6(KIF13A):c.4966G>A (p.Glu1656Lys)

Gene: KIF13A (kinesin family member 13A; minus strand). Cytogenetic location: 6p22.3.
Variant type: single nucleotide variant.
Coding change: c.4966G>A on transcript NM_022113.6 (MANE Select); coding-DNA position 4966, G replaced by A.
Protein change: p.Glu1656Lys; replaces glutamic acid 1656 with lysine.
Molecular consequence: missense variant.
Genome position (GRCh38, 1-based): chr6:17,764,562, C>T on the plus strand (G>A on the coding strand, the complement: KIF13A is on the minus strand). VCF-style: chr6-17764562-C-T. GRCh37 (hg19) VCF-style: chr6-17764793-C-T.
Other names: c.4861G>A, p.Glu1621Lys (NM_001105566.3); c.4822G>A, p.Glu1608Lys (NM_001105567.3, NM_001105568.4); short protein forms E1608K, E1621K, E1656K.
Identifiers: ClinVar variation 2656260 (VCV002656260.24), dbSNP rs41267710, ClinGen allele CA3648331.

ClinVar aggregate classification (germline): Likely benign (1 of 4 stars; one submission).

Allele frequency attached by ClinVar (database versions not stated): TOPMed 0.00230; gnomAD 0.00246; 1000 Genomes Project 0.00280; 1000 Genomes Project 30x 0.00281; ExAC 0.00282; ESP Exome Variant Server 0.00316; gnomAD exomes 0.00321.
gnomAD v4.1: 5,064 of 1,613,890 alleles (0.31%); highest among the groups gnomAD compares: Middle Eastern, 0.78%; 16 homozygotes.

Submission:

CeGaT Center for Human Genetics Tuebingen
Classification: Likely benign. Last evaluated: 2023-04-01. Review status: criteria provided, single submitter. Criteria: CeGaT Center For Human Genetics Tuebingen Variant Classification Criteria Version 2. Collection method: clinical testing. Allele origin: germline. Affected: yes. Observed: 1 variant allele.
Comment: KIF13A: BP4, BS2